The following is an entry in ClinVar:

ClinVar aggregate classification (germline): Likely pathogenic (1 of 4 stars; one submission).

Conditions:
Dilated cardiomyopathy 1G (CMD1G). Identifiers: Orphanet 154, MedGen C1858763, MONDO:0011400, OMIM 604145.

Submission:

Juno Genomics, Hangzhou Juno Genomics, Inc
Classification: Likely pathogenic for Dilated cardiomyopathy 1G. Review status: criteria provided, single submitter. Criteria: ACMG Guidelines, 2015. Collection method: clinical testing. Allele origin: germline.
Comment: Absent from controls (or at extremely low frequency if recessive) in Genome Aggregation Database.;Null variant in a gene where loss of function (LOF) is a known mechanism of disease.

NM_001267550.2(TTN):c.54603C>G (p.Tyr18201Ter)

Genes: TTN (titin; minus strand), TTN-AS1 (TTN antisense RNA 1; plus strand). Cytogenetic location: 2q31.2.
Variant type: single nucleotide variant.
Coding change: c.54603C>G on transcript NM_001267550.2 (MANE Select); coding-DNA position 54603, C replaced by G.
Protein change: p.Tyr18201Ter; replaces tyrosine 18201 with a stop codon.
Molecular consequence: nonsense.
Genome position (GRCh38, 1-based): chr2:178,604,084, G>C on the plus strand (C>G on the coding strand, the complement: TTN is on the minus strand). VCF-style: chr2-178604084-G-C. GRCh37 (hg19) VCF-style: chr2-179468811-G-C.
Other names: c.49680C>G, p.Tyr16560Ter (NM_001256850.1); c.27408C>G, p.Tyr9136Ter (NM_003319.4); c.46899C>G, p.Tyr15633Ter (NM_133378.4); c.27783C>G, p.Tyr9261Ter (NM_133432.3); c.27984C>G, p.Tyr9328Ter (NM_133437.4); short protein forms Y15633*, Y16560*, Y18201*, Y9136*, Y9261*, Y9328*.
Identifiers: ClinVar variation 4796546 (VCV004796546.2).